The following is an entry in ClinVar:

ClinVar aggregate classification (germline): Pathogenic (1 of 4 stars; one submission).

Conditions:
Primary ciliary dyskinesia 28. Also called: CILIARY DYSKINESIA, PRIMARY, 28, WITH OR WITHOUT SITUS INVERSUS. Identifiers: Orphanet 244, MedGen C3809706, MONDO:0014216, OMIM 615505.

Allele frequency attached by ClinVar (database versions not stated): gnomAD 0.00001; gnomAD exomes 0.00002.

Submission:

Labcorp Genetics (formerly Invitae), Labcorp
Classification: Pathogenic for Primary ciliary dyskinesia 28. Last evaluated: 2024-07-08. Review status: criteria provided, single submitter. Criteria: Invitae Variant Classification Sherloc (09022015). Collection method: clinical testing. Allele origin: germline.
Comment: This sequence change creates a premature translational stop signal (p.Arg563Alafs*57) in the SPAG1 gene. It is expected to result in an absent or disrupted protein product. Loss-of-function variants in SPAG1 are known to be pathogenic (PMID: 24055112). This variant is present in population databases (rs749637114, gnomAD 0.007%). This variant has not been reported in the literature in individuals affected with SPAG1-related conditions. Algorithms developed to predict the effect of sequence changes on RNA splicing suggest that this variant may disrupt the consensus splice site. For these reasons, this variant has been classified as Pathogenic.

Literature cited by the submitters: PubMed 24055112.

NM_003114.5(SPAG1):c.1687_1688del (p.Arg563fs)

Gene: SPAG1 (sperm associated antigen 1; plus strand). Cytogenetic location: 8q22.2.
Variant type: Deletion.
Coding change: c.1687_1688del on transcript NM_003114.5 (MANE Select); coding-DNA positions 1687 to 1688, 2 bases deleted (AG; older notation c.1687_1688delAG).
Protein change: p.Arg563fs; shifts the reading frame from arginine 563.
Molecular consequence: frameshift variant.
Genome position (GRCh38, 1-based): chr8:100,220,430-100,220,431, AG deleted. VCF-style (leftmost placement, unchanged base first): chr8-100220429-CAG-C. GRCh37 (hg19) VCF-style: chr8-101232657-CAG-C.
Other names: c.1687_1688del, p.Arg563fs (NM_001374321.1, NM_172218.3); short protein forms R563fs.
Identifiers: ClinVar variation 2954763 (VCV002954763.3), dbSNP rs749637114, ClinGen allele CA182386270.